The following is an entry in ClinVar:

ClinVar aggregate classification (germline): Benign/Likely benign. Review status: criteria provided, multiple submitters, no conflicts (2 of 4 stars). 3 submissions from 3 submitters: Benign (1); Likely benign (2). Last evaluated 2022-06-27.

Conditions:
Microvascular complications of diabetes, susceptibility to, 3. Identifiers: MedGen C2675470, MONDO:0012963, OMIM 612624.
Hemorrhage, intracerebral, susceptibility to (ICH). Also called: Stroke, hemorrhagic, susceptibility to. Identifiers: MedGen C3281105, MONDO:0100533, OMIM 614519.
Renal tubular dysgenesis of genetic origin. Also called: PRIMITIVE RENAL TUBULE SYNDROME. Identifiers: Orphanet 97369, MedGen C5681536, MONDO:0009970, OMIM 267430.
Renal tubular dysgenesis. Also called: Renotubular dysgenesis. Identifiers: Orphanet 3033, MedGen C0266313, MONDO:0017609, HP:0008660.

Allele frequency attached by ClinVar (database versions not stated): gnomAD 0.00009 and 0.00013; TOPMed 0.00011; gnomAD exomes 0.00016 and 0.00030; ExAC 0.00032.
gnomAD v4.1: 249 of 1,614,068 alleles (0.015%); highest among the groups gnomAD compares: East Asian, 0.51%; 1 homozygote.

Submissions (3):

Labcorp Genetics (formerly Invitae), Labcorp
Classification: Benign. Last evaluated: 2022-06-27. Review status: criteria provided, single submitter. Criteria: Invitae Variant Classification Sherloc (09022015). Collection method: clinical testing. Allele origin: germline.

Fulgent Genetics
Classification: Likely benign for Renal tubular dysgenesis of genetic origin; Microvascular complications of diabetes, susceptibility to, 3; Hemorrhage, intracerebral, susceptibility to. Last evaluated: 2022-04-13. Review status: criteria provided, single submitter. Criteria: ACMG Guidelines, 2015. Collection method: clinical testing. Allele origin: unknown.

Illumina Laboratory Services, Illumina
Classification: Likely benign for Renal tubular dysgenesis of genetic origin. Last evaluated: 2018-01-13. Review status: criteria provided, single submitter. Criteria: ICSL Variant Classification Criteria 13 December 2019. Collection method: clinical testing. Allele origin: germline.
Comment: This variant was observed in the ICSL laboratory as part of a predisposition screen in an ostensibly healthy population. It had not been previously curated by ICSL or reported in the Human Gene Mutation Database (HGMD: prior to June 1st, 2018), and was therefore a candidate for classification through an automated scoring system. Utilizing variant allele frequency, disease prevalence and penetrance estimates, and inheritance mode, an automated score was calculated to assess if this variant is too frequent to cause the disease. Based on the score and internal cut-off values, a variant classified as likely benign is not then subjected to further curation. The score for this variant resulted in a classification of likely benign for this disease.

NM_000789.4(ACE):c.1020C>T (p.Pro340=)

Gene: ACE (angiotensin I converting enzyme; plus strand). Cytogenetic location: 17q23.3.
Variant type: single nucleotide variant.
Coding change: c.1020C>T on transcript NM_000789.4 (MANE Select); coding-DNA position 1020, C replaced by T.
Protein change: p.Pro340=; no amino-acid change (proline 340 retained).
Molecular consequence: synonymous variant.
Genome position (GRCh38, 1-based): chr17:63,481,640, C>T. VCF-style: chr17-63481640-C-T. GRCh37 (hg19) VCF-style: chr17-61559001-C-T.
Identifiers: ClinVar variation 891019 (VCV000891019.13), dbSNP rs3730026, ClinGen allele CA8699359.